The following is an entry in ClinVar:

ClinVar aggregate classification (germline): Uncertain significance. Review status: criteria provided, multiple submitters, no conflicts (2 of 4 stars). 2 submissions from 2 submitters: Uncertain significance (2). Last evaluated 2025-10-21.

gnomAD v4.1: 1 of 1,613,998 alleles (0.000062%); highest among the groups gnomAD compares: African/African-American, 0.0013%; no homozygotes.

Submissions (2):

Women's Health and Genetics/Laboratory Corporation of America, LabCorp
Classification: Uncertain significance. Last evaluated: 2025-10-21. Review status: criteria provided, single submitter. Criteria: LabCorp Variant Classification Summary - May 2015. Collection method: clinical testing. Allele origin: germline.
Comment: Variant summary: DDC c.842G>T (p.Cys281Phe) results in a non-conservative amino acid change in the encoded protein sequence. Algorithms developed to predict the effect of missense changes on protein structure and function all suggest that this variant is likely to be disruptive. The variant was absent in 251254 control chromosomes. The available data on variant occurrences in the general population are insufficient to allow any conclusion about variant significance. To our knowledge, no occurrence of c.842G>T in individuals affected with DDC-related conditions and no experimental evidence demonstrating its impact on protein function have been reported. No submitters have cited clinical-significance assessments for this variant to ClinVar. Based on the evidence outlined above, the variant was classified as uncertain significance.

Mayo Clinic Laboratories, Mayo Clinic
Classification: Uncertain significance. Last evaluated: 2025-09-28. Review status: criteria provided, single submitter. Criteria: ACMG Guidelines, 2015. Collection method: clinical testing. Allele origin: germline. Observed: 1 variant allele.
Comment: PP3

NM_001082971.2(DDC):c.842G>T (p.Cys281Phe)

Gene: DDC (dopa decarboxylase; minus strand). Cytogenetic location: 7p12.2.
Variant type: single nucleotide variant.
Coding change: c.842G>T on transcript NM_001082971.2 (MANE Select); coding-DNA position 842, G replaced by T.
Protein change: p.Cys281Phe; replaces cysteine 281 with phenylalanine.
Molecular consequence: missense variant.
Genome position (GRCh38, 1-based): chr7:50,499,182, C>A on the plus strand (G>T on the coding strand, the complement: DDC is on the minus strand). VCF-style: chr7-50499182-C-A. GRCh37 (hg19) VCF-style: chr7-50566880-C-A.
Other names: p.Cys281Phe; c.842G>T, p.Cys281Phe (NM_000790.4, NM_001242890.2); c.728G>T, p.Cys243Phe (NM_001242886.2); c.698G>T, p.Cys233Phe (NM_001242887.2); c.608G>T, p.Cys203Phe (NM_001242888.2); c.563G>T, p.Cys188Phe (NM_001242889.2); short protein forms C203F, C281F, C188F, C233F, C243F.
Identifiers: ClinVar variation 4541290 (VCV004541290.2).